The following is an entry in ClinVar:

ClinVar aggregate classification (germline): Conflicting classifications of pathogenicity. Review status: criteria provided, conflicting classifications (1 of 4 stars). 2 submissions from 2 submitters: Uncertain significance (1); Likely benign (1). Last evaluated 2025-08-23.

Conditions:
Combined oxidative phosphorylation defect type 24. Also called: Combined oxidative phosphorylation deficiency 24. Identifiers: Orphanet 444458, MedGen C4015643, MONDO:0014547, OMIM 616239.

gnomAD v4.1: 20 of 1,604,218 alleles (0.0012%); highest among the groups gnomAD compares: Admixed American, 0.032%; no homozygotes.

Submissions (2):

Centre for Medical Genetics,  Mumbai
Classification: Likely benign for Combined oxidative phosphorylation defect type 24. Last evaluated: 2025-08-23. Review status: criteria provided, single submitter. Criteria: ACMG Guidelines, 2015. Collection method: clinical testing. Allele origin: germline. Affected: no. Observed: 1 variant allele, 1 homozygote.

GeneDx
Classification: Uncertain significance. Last evaluated: 2024-09-17. Review status: criteria provided, single submitter. Criteria: GeneDx Variant Classification Process June 2021. Collection method: clinical testing. Allele origin: germline. Affected: yes.
Comment: In silico analysis supports a deleterious effect on splicing; Has not been previously published as pathogenic or benign to our knowledge

NM_024678.6(NARS2):c.1025A>T (p.Glu342Val)

Gene: NARS2 (asparaginyl-tRNA synthetase 2, mitochondrial; minus strand). Cytogenetic location: 11q14.1.
Variant type: single nucleotide variant.
Coding change: c.1025A>T on transcript NM_024678.6 (MANE Select); coding-DNA position 1025, A replaced by T.
Protein change: p.Glu342Val; replaces glutamic acid 342 with valine.
Molecular consequence: missense variant. On other transcripts: non-coding transcript variant (4), intron variant (2).
Genome position (GRCh38, 1-based): chr11:78,469,248, T>A on the plus strand (A>T on the coding strand, the complement: NARS2 is on the minus strand). VCF-style: chr11-78469248-T-A. GRCh37 (hg19) VCF-style: chr11-78180294-T-A.
Other names: c.344A>T, p.Glu115Val (NM_001243251.2, NM_001425310.1, NM_001425312.1 and 2 more transcripts); c.1025A>T, p.Glu342Val (NM_001425299.1, NM_001425300.1, NM_001425304.1 and 1 more transcripts); c.944A>T, p.Glu315Val (NM_001425302.1, NM_001425303.1); c.797A>T, p.Glu266Val (NM_001425307.1); c.794A>T, p.Glu265Val (NM_001425308.1); c.755A>T, p.Glu252Val (NM_001425309.1); c.374A>T, p.Glu125Val (NM_001425311.1); c.954+9190A>T (NM_001425306.1); and 1 more; short protein forms E115V, E125V, E252V, E265V, E266V, E315V, E342V.
Identifiers: ClinVar variation 3769681 (VCV003769681.2).